The following is an entry in ClinVar:

ClinVar aggregate classification (germline): Pathogenic/Likely pathogenic. Review status: criteria provided, multiple submitters, no conflicts (2 of 4 stars). 2 submissions from 2 submitters: Pathogenic (1); Likely pathogenic (1). Last evaluated 2025-04-13.

Conditions:
Autosomal recessive polycystic kidney disease (ARPKD). Also called: AR polycystic kidney disease. Identifiers: Orphanet 731, Orphanet 8378, MedGen C0085548, MeSH D017044, MONDO:0009889.

Submissions (2):

Natera, Inc.
Classification: Likely pathogenic for Autosomal recessive polycystic kidney disease. Last evaluated: 2025-04-13. Review status: criteria provided, single submitter. Criteria: Natera Variant Classification Schema (03/2026). Collection method: clinical testing. Allele origin: germline.
Comment: The c.312_313delGT variant in PKHD1 is a frameshift variant predicted to shift the reading frame beginning at codon 105 and leads to a stop codon 21 codons downstream. This variant is expected to result in nonsense mediated decay, truncation, or a dysfunctional protein product. This variant is rare in the general population with a frequency below the threshold expected for the associated phenotype(s). Given the available evidence, this variant is classified as Likely Pathogenic.

Labcorp Genetics (formerly Invitae), Labcorp
Classification: Pathogenic for Autosomal recessive polycystic kidney disease. Last evaluated: 2023-06-16. Review status: criteria provided, single submitter. Criteria: Invitae Variant Classification Sherloc (09022015). Collection method: clinical testing. Allele origin: germline.
Comment: This variant is not present in population databases (gnomAD no frequency). This sequence change creates a premature translational stop signal (p.Tyr105Leufs*21) in the PKHD1 gene. It is expected to result in an absent or disrupted protein product. Loss-of-function variants in PKHD1 are known to be pathogenic (PMID: 19940839). This variant has not been reported in the literature in individuals affected with PKHD1-related conditions. For these reasons, this variant has been classified as Pathogenic.

Literature cited by the submitters: PubMed 19940839 (cited by Labcorp Genetics (formerly Invitae), Labcorp).

NM_138694.4(PKHD1):c.312_313del (p.Tyr105fs)

Gene: PKHD1 (PKHD1 ciliary IPT domain containing fibrocystin/polyductin; minus strand). Cytogenetic location: 6p12.2.
Variant type: Deletion.
Coding change: c.312_313del on transcript NM_138694.4 (MANE Select); coding-DNA positions 312 to 313, 2 bases deleted (GT; older notation c.312_313delGT).
Protein change: p.Tyr105fs; shifts the reading frame from tyrosine 105.
Molecular consequence: frameshift variant.
Genome position (GRCh38, 1-based): chr6:52,079,977-52,079,978, AC deleted on the plus strand (GT on the coding strand, the reverse complement: PKHD1 is on the minus strand); deleting any 2 consecutive bases within chr6:52,079,977-52,079,979 gives the same sequence; the c. name uses the placement nearest the transcript's 3' end. VCF-style (leftmost placement, unchanged base first): chr6-52079976-TAC-T. GRCh37 (hg19) VCF-style: chr6-51944774-TAC-T.
Other names: c.312_313delGT (NM_138694.3); c.312_313del, p.Tyr105fs (NM_170724.3); short protein forms Y105fs.
Identifiers: ClinVar variation 2992802 (VCV002992802.4), dbSNP rs2533717883, ClinGen allele CA2740091359.